The following is an entry in ClinVar:

NM_020778.5(ALPK3):c.2753C>T (p.Thr918Ile)

Gene: ALPK3 (alpha kinase 3; plus strand). Cytogenetic location: 15q25.3.
Variant type: single nucleotide variant.
Coding change: c.2753C>T on transcript NM_020778.5 (MANE Select); coding-DNA position 2753, C replaced by T.
Protein change: p.Thr918Ile; replaces threonine 918 with isoleucine.
Molecular consequence: missense variant.
Genome position (GRCh38, 1-based): chr15:84,857,491, C>T. VCF-style: chr15-84857491-C-T. GRCh37 (hg19) VCF-style: chr15-85400722-C-T.
Other names: short protein forms T918I.
Identifiers: ClinVar variation 1426901 (VCV001426901.9), dbSNP rs202161551, ClinGen allele CA273624735.

ClinVar aggregate classification (germline): Conflicting classifications of pathogenicity. Review status: criteria provided, conflicting classifications (1 of 4 stars). 2 submissions from 2 submitters: Uncertain significance (1); Likely benign (1). Last evaluated 2025-11-17.

Conditions:
Cardiovascular phenotype. Identifiers: MedGen CN230736.

Allele frequency attached by ClinVar (database versions not stated): gnomAD exomes 0.00001 and 0.00003; gnomAD 0.00005 and 0.00006; TOPMed 0.00007.

Submissions (2):

Labcorp Genetics (formerly Invitae), Labcorp
Classification: Uncertain significance. Last evaluated: 2025-11-17. Review status: criteria provided, single submitter. Criteria: Invitae Variant Classification Sherloc (09022015). Collection method: clinical testing. Allele origin: germline.
Comment: This sequence change replaces threonine, which is neutral and polar, with isoleucine, which is neutral and non-polar, at codon 1120 of the ALPK3 protein (p.Thr1120Ile). The frequency data for this variant in the population databases is considered unreliable, as metrics indicate poor data quality at this position in the gnomAD database. This variant has not been reported in the literature in individuals affected with ALPK3-related conditions. ClinVar contains an entry for this variant (Variation ID: 1426901). Invitae Evidence Modeling of protein sequence and biophysical properties (such as structural, functional, and spatial information, amino acid conservation, physicochemical variation, residue mobility, and thermodynamic stability) indicates that this missense variant is not expected to disrupt ALPK3 protein function with a negative predictive value of 80%. In summary, the available evidence is currently insufficient to determine the role of this variant in disease. Therefore, it has been classified as a Variant of Uncertain Significance.

Ambry Genetics
Classification: Likely benign for Cardiovascular phenotype. Last evaluated: 2025-11-12. Review status: criteria provided, single submitter. Criteria: Ambry Variant Classification Scheme 2023. Collection method: clinical testing. Allele origin: germline.